The following is an entry in ClinVar:

NM_017947.4(MOCOS):c.1202T>C (p.Ile401Thr)

Gene: MOCOS (molybdenum cofactor sulfurase; plus strand). Cytogenetic location: 18q12.2.
Variant type: single nucleotide variant.
Coding change: c.1202T>C on transcript NM_017947.4 (MANE Select); coding-DNA position 1202, T replaced by C.
Protein change: p.Ile401Thr; replaces isoleucine 401 with threonine.
Molecular consequence: missense variant.
Genome position (GRCh38, 1-based): chr18:36,205,260, T>C. VCF-style: chr18-36205260-T-C. GRCh37 (hg19) VCF-style: chr18-33785223-T-C.
Other names: c.1202T>C (NM_017947.2); short protein forms I401T.
Identifiers: ClinVar variation 1516587 (VCV001516587.4), dbSNP rs1555651772, ClinGen allele CA8940641.

ClinVar aggregate classification (germline): Uncertain significance. Review status: criteria provided, multiple submitters, no conflicts (2 of 4 stars). 2 submissions from 2 submitters: Uncertain significance (2). Last evaluated 2022-05-09.

Conditions:
Xanthinuria type II. Also called: Xanthine dehydrogenase and aldehyde oxidase combined deficiency of; XDH and AOX dual deficiency. Identifiers: Orphanet 3467, Orphanet 93602, MedGen C1863688, MONDO:0011346, OMIM 603592.

Allele frequency attached by ClinVar (database versions not stated): gnomAD exomes below 0.00001 and 0.00001; TOPMed below 0.00001; ExAC 0.00001; gnomAD 0.00001.
gnomAD v4.1: 6 of 1,613,568 alleles (0.00037%); highest among the groups gnomAD compares: Admixed American, 0.0033%; no homozygotes.

Submissions (2):

Ambry Genetics
Classification: Uncertain significance. Last evaluated: 2022-05-09. Review status: criteria provided, single submitter. Criteria: Ambry Variant Classification Scheme 2023. Collection method: clinical testing. Allele origin: germline.

Labcorp Genetics (formerly Invitae), Labcorp
Classification: Uncertain significance for Xanthinuria type II. Last evaluated: 2021-10-13. Review status: criteria provided, single submitter. Criteria: Invitae Variant Classification Sherloc (09022015). Collection method: clinical testing. Allele origin: germline.
Comment: This sequence change replaces isoleucine with threonine at codon 401 of the MOCOS protein (p.Ile401Thr). The isoleucine residue is weakly conserved and there is a moderate physicochemical difference between isoleucine and threonine. This variant is present in population databases (no rsID available, ExAC 0.009%). This variant has not been reported in the literature in individuals affected with MOCOS-related conditions. Algorithms developed to predict the effect of missense changes on protein structure and function are either unavailable or do not agree on the potential impact of this missense change (SIFT: "Deleterious"; PolyPhen-2: "Benign"; Align-GVGD: "Class C0"). In summary, the available evidence is currently insufficient to determine the role of this variant in disease. Therefore, it has been classified as a Variant of Uncertain Significance.